The following is an entry in ClinVar:

NM_003059.3(SLC22A4):c.1231G>A (p.Val411Met)

Genes: MIR3936HG (MIR3936 host gene; minus strand), SLC22A4 (solute carrier family 22 member 4; plus strand). Cytogenetic location: 5q31.1.
Variant type: single nucleotide variant.
Coding change: c.1231G>A on transcript NM_003059.3 (MANE Select); coding-DNA position 1231, G replaced by A.
Protein change: p.Val411Met; replaces valine 411 with methionine.
Molecular consequence: missense variant. On other transcripts: non-coding transcript variant (1).
Genome position (GRCh38, 1-based): chr5:132,334,902, G>A. VCF-style: chr5-132334902-G-A. GRCh37 (hg19) VCF-style: chr5-131670595-G-A.
Other names: short protein forms V411M.
Identifiers: ClinVar variation 2982687 (VCV002982687.3), dbSNP rs1402281020, ClinGen allele CA360811128.

ClinVar aggregate classification (germline): Uncertain significance (1 of 4 stars; one submission).

Allele frequency attached by ClinVar (database versions not stated): gnomAD exomes below 0.00001; TOPMed below 0.00001; gnomAD 0.00001.
gnomAD v4.1: 2 of 1,613,390 alleles (0.00012%); highest among the groups gnomAD compares: Non-Finnish European, 0.00017%; no homozygotes.

Submission:

Labcorp Genetics (formerly Invitae), Labcorp
Classification: Uncertain significance. Last evaluated: 2024-02-26. Review status: criteria provided, single submitter. Criteria: Invitae Variant Classification Sherloc (09022015). Collection method: clinical testing. Allele origin: germline.
Comment: This sequence change replaces valine, which is neutral and non-polar, with methionine, which is neutral and non-polar, at codon 411 of the SLC22A4 protein (p.Val411Met). This variant is not present in population databases (gnomAD no frequency). This variant has not been reported in the literature in individuals affected with SLC22A4-related conditions. Advanced modeling of protein sequence and biophysical properties (such as structural, functional, and spatial information, amino acid conservation, physicochemical variation, residue mobility, and thermodynamic stability) performed at Invitae indicates that this missense variant is not expected to disrupt SLC22A4 protein function with a negative predictive value of 80%. Algorithms developed to predict the effect of sequence changes on RNA splicing suggest that this variant may disrupt the consensus splice site. In summary, the available evidence is currently insufficient to determine the role of this variant in disease. Therefore, it has been classified as a Variant of Uncertain Significance.